The following is an entry in ClinVar:

ClinVar aggregate classification (germline): Uncertain significance (1 of 4 stars; one submission).

Conditions:
Long QT syndrome (LQTS). Identifiers: MedGen C0023976, MeSH D008133, MONDO:0002442. Disease mechanism: loss of function. Inheritance: Various modes of inheritance.

Allele frequency attached by ClinVar (database versions not stated): gnomAD exomes below 0.00001.
gnomAD v4.1: 2 of 1,613,500 alleles (0.00012%); highest among the groups gnomAD compares: Non-Finnish European, 0.00017%; no homozygotes.

Submission:

Labcorp Genetics (formerly Invitae), Labcorp
Classification: Uncertain significance for Long QT syndrome. Last evaluated: 2018-10-06. Review status: criteria provided, single submitter. Criteria: Invitae Variant Classification Sherloc (09022015). Collection method: clinical testing. Allele origin: germline.
Comment: This sequence change replaces lysine with arginine at codon 921 of the AKAP9 protein (p.Lys921Arg). The lysine residue is weakly conserved and there is a small physicochemical difference between lysine and arginine. This variant is not present in population databases (ExAC no frequency). This variant has not been reported in the literature in individuals with AKAP9-related disease. Algorithms developed to predict the effect of missense changes on protein structure and function (SIFT, PolyPhen-2, Align-GVGD) all suggest that this variant is likely to be tolerated, but these predictions have not been confirmed by published functional studies and their clinical significance is uncertain. In summary, the available evidence is currently insufficient to determine the role of this variant in disease. Therefore, it has been classified as a Variant of Uncertain Significance.

NM_005751.5(AKAP9):c.2762A>G (p.Lys921Arg)

Gene: AKAP9 (A-kinase anchoring protein 9; plus strand). Cytogenetic location: 7q21.2.
Variant type: single nucleotide variant.
Coding change: c.2762A>G on transcript NM_005751.5 (MANE Select); coding-DNA position 2762, A replaced by G.
Protein change: p.Lys921Arg; replaces lysine 921 with arginine.
Molecular consequence: missense variant.
Genome position (GRCh38, 1-based): chr7:92,002,679, A>G. VCF-style: chr7-92002679-A-G. GRCh37 (hg19) VCF-style: chr7-91631993-A-G.
Other names: c.2762A>G, p.Lys921Arg (NM_147185.3); short protein forms K921R.
Identifiers: ClinVar variation 659044 (VCV000659044.8), dbSNP rs1584045006, ClinGen allele CA368124875.